The following is an entry in ClinVar:

ClinVar aggregate classification (germline): Uncertain significance (1 of 4 stars; one submission).

Conditions:
Neurofibromatosis, type 1 (NF1). Also called: NEUROFIBROMATOSIS, TYPE I, SOMATIC; Neurofibromatosis, type I; VON RECKLINGHAUSEN DISEASE; Peripheral type neurofibromatosis. Identifiers: Orphanet 636, MedGen C0027831, MONDO:0018975, OMIM 162200. Disease mechanism: loss of function.

Submission:

Labcorp Genetics (formerly Invitae), Labcorp
Classification: Uncertain significance for Neurofibromatosis, type 1. Last evaluated: 2020-03-18. Review status: criteria provided, single submitter. Criteria: Invitae Variant Classification Sherloc (09022015). Collection method: clinical testing. Allele origin: germline.
Comment: In summary, the available evidence is currently insufficient to determine the role of this variant in disease. Therefore, it has been classified as a Variant of Uncertain Significance. Nucleotide substitutions within the consensus splice site are a relatively common cause of aberrant splicing (PMID: 17576681, 9536098). Algorithms developed to predict the effect of sequence changes on RNA splicing suggest that this variant is not likely to affect RNA splicing, but this prediction has not been confirmed by published transcriptional studies. This variant has been reported in individuals in the Leiden Open-source Variation Database (PMID: 21520333). This variant is not present in population databases (ExAC no frequency). This sequence change falls in intron 46 of the NF1 gene. It does not directly change the encoded amino acid sequence of the NF1 protein, but it affects a nucleotide within the consensus splice site of the intron.

Literature cited by the submitters: PubMed 17576681; PubMed 9536098; PubMed 21520333.

NM_001042492.3(NF1):c.7062+6C>G

Gene: NF1 (neurofibromin 1; plus strand). Cytogenetic location: 17q11.2.
Variant type: single nucleotide variant.
Coding change: c.7062+6C>G on transcript NM_001042492.3 (MANE Select); 6 bases into the intron after coding-DNA position 7062, C replaced by G.
Molecular consequence: intron variant.
Genome position (GRCh38, 1-based): chr17:31,340,651, C>G. VCF-style: chr17-31340651-C-G. GRCh37 (hg19) VCF-style: chr17-29667669-C-G.
Other names: c.6999+6C>G (NM_000267.4).
Identifiers: ClinVar variation 1061637 (VCV001061637.5), dbSNP rs2069795623, ClinGen allele CA2499224210.